The following is an entry in ClinVar:

NM_000214.3(JAG1):c.1375C>T (p.Gln459Ter)

Gene: JAG1 (jagged canonical Notch ligand 1; minus strand). Cytogenetic location: 20p12.2.
Variant type: single nucleotide variant.
Coding change: c.1375C>T on transcript NM_000214.3 (MANE Select); coding-DNA position 1375, C replaced by T.
Protein change: p.Gln459Ter; replaces glutamine 459 with a stop codon.
Molecular consequence: nonsense.
Genome position (GRCh38, 1-based): chr20:10,649,081, G>A on the plus strand (C>T on the coding strand, the complement: JAG1 is on the minus strand). VCF-style: chr20-10649081-G-A. GRCh37 (hg19) VCF-style: chr20-10629729-G-A.
Other names: c.1375C>T, p.Gln459Ter (LRG_1191t1); short protein forms Q459*.
Identifiers: ClinVar variation 664927 (VCV000664927.6), dbSNP rs1289016419, ClinGen allele CA408238003.
Genomic context (GRCh38, chr20:10,649,081, plus strand): 5'-TCAATTGTCAAAGTTTTGATTTAAGCAAAGATTTACATACCCGACAGGAGGCGTCATTCT[G>A]ACACTGGCCAAGGCAGTCATTAATATCTAAAAAATAAATAAGTCATCATTTTAAAGAGGT-3'

ClinVar aggregate classification (germline): Pathogenic (1 of 4 stars; one submission).

Conditions:
Alagille syndrome due to a JAG1 point mutation. Also called: JAG1-Related Alagille Syndrome; HEPATIC DUCTULAR HYPOPLASIA, SYNDROMATIC; Alagille Syndrome 1. Identifiers: Orphanet 261619, Orphanet 52, MedGen C1956125, MONDO:0016862, OMIM 118450.

Submission:

Labcorp Genetics (formerly Invitae), Labcorp
Classification: Pathogenic for Alagille syndrome due to a JAG1 point mutation. Last evaluated: 2018-08-20. Review status: criteria provided, single submitter. Criteria: Invitae Variant Classification Sherloc (09022015). Collection method: clinical testing. Allele origin: germline.
Comment: This sequence change creates a premature translational stop signal (p.Gln459*) in the JAG1 gene. It is expected to result in an absent or disrupted protein product. This variant is not present in population databases (ExAC no frequency). This variant has not been reported in the literature in individuals with JAG1-related disease. Loss-of-function variants in JAG1 are known to be pathogenic (PMID: 11180599). For these reasons, this variant has been classified as Pathogenic.

Literature cited by the submitters: PubMed 11180599.